The following is an entry in ClinVar:

ClinVar aggregate classification (germline): Uncertain significance (1 of 4 stars; one submission).

Conditions:
Developmental and epileptic encephalopathy, 13 (DEE13). Also called: Developmental and Epileptic Encephalopathy (SCN8A-DEE); Early infantile epileptic encephalopathy 13; SCN8A-Related Epilepsy. Identifiers: Orphanet 442835, MedGen C3281191, MONDO:0013801, OMIM 614558.

Submission:

Neuberg Centre For Genomic Medicine, NCGM
Classification: Uncertain significance for Developmental and epileptic encephalopathy, 13. Review status: criteria provided, single submitter. Criteria: ACMG Guidelines, 2015. Collection method: clinical testing. Allele origin: germline. Inheritance: Autosomal dominant inheritance. Affected: yes.
Comment: The missense variant inc.3327C>G in SCN8A gene has not been reported previously as a pathogenic variant nor as a benign variant, to our knowledge. The p.Asn1109Lys variant is novel (not in any individuals) in gnomAD Exomes and 1000 Genomes. The amino acid change p.Asn1109Lys in SCN8A is predicted as conserved by GERP++ and PhyloP across 100 vertebrates. The amino acid Asn at position 1109 is changed to a Lys changing protein sequence and it might alter its composition and physico-chemical properties. For these reasons, this variant has been classified as Variant of Uncertain Significance (VUS).

NM_001330260.2(SCN8A):c.3327C>G (p.Asn1109Lys)

Gene: SCN8A (sodium voltage-gated channel alpha subunit 8; plus strand). Cytogenetic location: 12q13.13.
Variant type: single nucleotide variant.
Coding change: c.3327C>G on transcript NM_001330260.2 (MANE Select); coding-DNA position 3327, C replaced by G.
Protein change: p.Asn1109Lys; replaces asparagine 1109 with lysine.
Molecular consequence: missense variant.
Genome position (GRCh38, 1-based): chr12:51,769,290, C>G. VCF-style: chr12-51769290-C-G. GRCh37 (hg19) VCF-style: chr12-52163074-C-G.
Other names: c.3327C>G, p.Asn1109Lys (NM_001177984.3, NM_001369788.1, NM_014191.4); short protein forms N1109K.
Identifiers: ClinVar variation 2584848 (VCV002584848.1), dbSNP rs1349215930, ClinGen allele CA384893686.